The following is an entry in ClinVar:

NM_019616.4(F7):c.86C>A (p.Ala29Asp)

Gene: F7 (coagulation factor VII; plus strand). Cytogenetic location: 13q34.
Variant type: single nucleotide variant.
Coding change: c.86C>A on transcript NM_019616.4 (MANE Select); coding-DNA position 86, C replaced by A.
Protein change: p.Ala29Asp; replaces alanine 29 with aspartic acid.
Molecular consequence: missense variant. On other transcripts: intron variant (1), non-coding transcript variant (1).
Genome position (GRCh38, 1-based): chr13:113,110,711, C>A. VCF-style: chr13-113110711-C-A. GRCh37 (hg19) VCF-style: chr13-113765025-C-A.
Other names: p.Ala51Asp; c.65-3136C>A (NM_001267554.2); c.152C>A, p.Ala51Asp (NM_000131.5); short protein forms A29D, A51D.
Identifiers: ClinVar variation 1527903 (VCV001527903.4), dbSNP rs2036074360, ClinGen allele CA388780719.

ClinVar aggregate classification (germline): Conflicting classifications of pathogenicity. Review status: criteria provided, conflicting classifications (1 of 4 stars). 3 submissions from 3 submitters: Likely pathogenic (1); Uncertain significance (2). Last evaluated 2025-01-14.

Conditions:
Congenital factor VII deficiency. Identifiers: Orphanet 327, MedGen C0272320, MONDO:0009211, OMIM 227500.

Allele frequency attached by ClinVar (database versions not stated): gnomAD exomes 0.00001; TOPMed below 0.00001.

Submissions (3):

Women's Health and Genetics/Laboratory Corporation of America, LabCorp
Classification: Uncertain significance. Last evaluated: 2025-01-14. Review status: criteria provided, single submitter. Criteria: LabCorp Variant Classification Summary - May 2015. Collection method: clinical testing. Allele origin: germline.
Comment: Variant summary: F7 c.152C>A (p.Ala51Asp) results in a non-conservative amino acid change located in the Domain containing Gla (gamma-carboxyglutamate) residues (IPR000294) of the encoded protein sequence. Five of five in-silico tools predict a damaging effect of the variant on protein function. The variant was absent in 152986 control chromosomes. The available data on variant occurrences in the general population are insufficient to allow any conclusion about variant significance. c.152C>A has been reported in the literature in individuals affected with Congenital factor VII deficiency (Herrmann_2009, Alesci_2023). These report(s) do not provide unequivocal conclusions about association of the variant with Congenital factor VII deficiency. To our knowledge, no experimental evidence demonstrating an impact on protein function has been reported. The following publications have been ascertained in the context of this evaluation (PMID: 37521340, 18976247). ClinVar contains an entry for this variant (Variation ID: 1527903). Based on the evidence outlined above, the variant was classified as uncertain significance.

Mayo Clinic Laboratories, Mayo Clinic
Classification: Uncertain significance. Last evaluated: 2025-01-08. Review status: criteria provided, single submitter. Criteria: ACMG Guidelines, 2015. Collection method: clinical testing. Allele origin: germline. Observed: 1 variant allele.
Comment: PP3_moderate, PM2_supporting

MVZ Martinsried, Medicover Genetics
Classification: Likely pathogenic for Congenital factor VII deficiency. Last evaluated: 2022-02-23. Review status: criteria provided, single submitter. Criteria: ACGS Guidelines, 2020. Collection method: clinical testing. Allele origin: unknown. Affected: yes.

Literature cited by the submitters: PubMed 18976247 (cited by Women's Health and Genetics/Laboratory Corporation of America, LabCorp and Mayo Clinic Laboratories, Mayo Clinic); PubMed 37521340 (cited by Women's Health and Genetics/Laboratory Corporation of America, LabCorp and Mayo Clinic Laboratories, Mayo Clinic).